The following is an entry in ClinVar:

NM_015922.3(NSDHL):c.232G>A (p.Val78Met)

Gene: NSDHL (NAD(P) dependent 3-beta-hydroxysteroid dehydrogenase NSDHL; plus strand). Cytogenetic location: Xq28.
Variant type: single nucleotide variant.
Coding change: c.232G>A on transcript NM_015922.3 (MANE Select); coding-DNA position 232, G replaced by A.
Protein change: p.Val78Met; replaces valine 78 with methionine.
Molecular consequence: missense variant.
Genome position (GRCh38, 1-based): chrX:152,850,388, G>A. VCF-style: chrX-152850388-G-A. GRCh37 (hg19) VCF-style: chrX-152018932-G-A.
Other names: c.232G>A, p.Val78Met (NM_001129765.2, NM_001441099.1); short protein forms V78M.
Identifiers: ClinVar variation 4752235 (VCV004752235.1).
Genomic context (GRCh38, chrX:152,850,388, plus strand): 5'-CTGGCAAGAGGATATGCTGTCAATGTATTTGATATCCAGCAAGGGTTTGATAATCCCCAG[G>A]TGCGGTTCTTTCTGGGTGACCTCTGCAGCCGACAGGTAATGGACCATGCAGCCTTGCTGA-3'
Protein context (NP_057006.1, residues 68-88): DIQQGFDNPQ[Val78Met]RFFLGDLCSR

ClinVar aggregate classification (germline): Uncertain significance (1 of 4 stars; one submission).

gnomAD v4.1: 5 of 1,209,181 alleles (0.00041%); highest among the groups gnomAD compares: Non-Finnish European, 0.00034%; no homozygotes.

Submission:

Labcorp Genetics (formerly Invitae), Labcorp
Classification: Uncertain significance. Last evaluated: 2025-09-28. Review status: criteria provided, single submitter. Criteria: Invitae Variant Classification Sherloc (09022015). Collection method: clinical testing. Allele origin: germline.
Comment: This sequence change replaces valine, which is neutral and non-polar, with methionine, which is neutral and non-polar, at codon 78 of the NSDHL protein (p.Val78Met). This variant is not present in population databases (gnomAD no frequency). This variant has not been reported in the literature in individuals affected with NSDHL-related conditions. An algorithm developed to predict the effect of missense changes on protein structure and function (PolyPhen-2) suggests that this variant is likely to be disruptive. In summary, the available evidence is currently insufficient to determine the role of this variant in disease. Therefore, it has been classified as a Variant of Uncertain Significance.